The following is an entry in ClinVar:

NM_020822.3(KCNT1):c.2349+319C>A

Gene: KCNT1 (potassium sodium-activated channel subfamily T member 1; plus strand). Cytogenetic location: 9q34.3.
Variant type: single nucleotide variant.
Coding change: c.2349+319C>A on transcript NM_020822.3 (MANE Select); 319 bases into the intron after coding-DNA position 2349, C replaced by A.
Molecular consequence: intron variant.
Genome position (GRCh38, 1-based): chr9:135,775,734, C>A. VCF-style: chr9-135775734-C-A. GRCh37 (hg19) VCF-style: chr9-138667580-C-A.
Other names: c.2214+319C>A (NM_001272003.2).
Identifiers: ClinVar variation 669724 (VCV000669724.1), dbSNP rs74694371, ClinGen allele CA201476307.

ClinVar aggregate classification (germline): Benign (1 of 4 stars; one submission).

Allele frequency attached by ClinVar (database versions not stated): gnomAD 0.02022 and 0.02158; 1000 Genomes Project 0.02137; 1000 Genomes Project 30x 0.02139; TOPMed 0.02246.
gnomAD v4.1: 3,029 of 151,736 alleles (2%); highest among the groups gnomAD compares: African/African-American, 6.9%; 105 homozygotes.

Submission:

GeneDx
Classification: Benign. Last evaluated: 2018-06-16. Review status: criteria provided, single submitter. Criteria: GeneDx Variant Classification (06012015). Collection method: clinical testing. Allele origin: germline. Affected: yes.
Comment: This variant is considered likely benign or benign based on one or more of the following criteria: it is a conservative change, it occurs at a poorly conserved position in the protein, it is predicted to be benign by multiple in silico algorithms, and/or has population frequency not consistent with disease.